The following is an entry in ClinVar:

NM_052947.4(ALPK2):c.3423C>G (p.Ser1141Arg)

Gene: ALPK2 (alpha kinase 2; minus strand). Cytogenetic location: 18q21.31.
Variant type: single nucleotide variant.
Coding change: c.3423C>G on transcript NM_052947.4 (MANE Select); coding-DNA position 3423, C replaced by G.
Protein change: p.Ser1141Arg; replaces serine 1141 with arginine.
Molecular consequence: missense variant.
Genome position (GRCh38, 1-based): chr18:58,536,764, G>C on the plus strand (C>G on the coding strand, the complement: ALPK2 is on the minus strand). VCF-style: chr18-58536764-G-C. GRCh37 (hg19) VCF-style: chr18-56203996-G-C.
Other names: short protein forms S1141R.
Identifiers: ClinVar variation 2626571 (VCV002626571.2), dbSNP rs1454780345, ClinGen allele CA402566987.

ClinVar aggregate classification (germline): Uncertain significance (1 of 4 stars; one submission).

Submission:

Ambry Genetics
Classification: Uncertain significance. Last evaluated: 2023-07-26. Review status: criteria provided, single submitter. Criteria: Ambry Variant Classification Scheme 2023. Collection method: clinical testing. Allele origin: germline.
Comment: The p.S1141R variant (also known as c.3423C>G), located in coding exon 4 of the ALPK2 gene, results from a C to G substitution at nucleotide position 3423. The serine at codon 1141 is replaced by arginine, an amino acid with dissimilar properties. This amino acid position is conserved. In addition, this alteration is predicted to be tolerated by in silico analysis. Since supporting evidence is limited at this time, the clinical significance of this alteration remains unclear.